The following is an entry in ClinVar:

ClinVar aggregate classification (germline): Conflicting classifications of pathogenicity. Review status: criteria provided, conflicting classifications (1 of 4 stars). 5 submissions from 5 submitters: Uncertain significance (1); Benign (3); Likely benign (1). Last evaluated 2026-02-01.

Conditions:
Inborn genetic diseases. Identifiers: MedGen C0950123, MeSH D030342.

Allele frequency attached by ClinVar (database versions not stated): gnomAD exomes 0.00069; ExAC 0.00091; 1000 Genomes Project 30x 0.00265; 1000 Genomes Project 0.00280; gnomAD 0.00281 and 0.00303; TOPMed 0.00305; ESP Exome Variant Server 0.00308.
gnomAD v4.1: 870 of 1,612,210 alleles (0.054%); highest among the groups gnomAD compares: African/African-American, 1.1%; 7 homozygotes.

Submissions (5):

Labcorp Genetics (formerly Invitae), Labcorp
Classification: Benign. Last evaluated: 2026-02-01. Review status: criteria provided, single submitter. Criteria: Invitae Variant Classification Sherloc (09022015). Collection method: clinical testing. Allele origin: germline.

Mayo Clinic Laboratories, Mayo Clinic
Classification: Benign. Last evaluated: 2025-09-15. Review status: criteria provided, single submitter. Criteria: ACMG Guidelines, 2015. Collection method: clinical testing. Allele origin: germline. Observed: 1 variant allele.
Comment: BS1, BS2, BP4_moderate

Blueprint Genetics
Classification: Likely benign. Last evaluated: 2024-10-02. Review status: criteria provided, single submitter. Criteria: ACMG Guidelines, 2015. Collection method: clinical testing. Allele origin: germline.

Ambry Genetics
Classification: Uncertain significance for Inborn genetic diseases. Last evaluated: 2021-12-07. Review status: criteria provided, single submitter. Criteria: Ambry Variant Classification Scheme 2023. Collection method: clinical testing. Allele origin: germline.

Breakthrough Genomics
Classification: Benign. Review status: criteria provided, single submitter. Criteria: ACMG Guidelines, 2015. Collection method: not provided. Allele origin: germline. Inheritance: Autosomal recessive inheritance. Affected: yes.

NM_015909.4(NBAS):c.1348A>G (p.Ile450Val)

Gene: NBAS (NBAS subunit of NRZ tethering complex; minus strand). Cytogenetic location: 2p24.3.
Variant type: single nucleotide variant.
Coding change: c.1348A>G on transcript NM_015909.4 (MANE Select); coding-DNA position 1348, A replaced by G.
Protein change: p.Ile450Val; replaces isoleucine 450 with valine.
Molecular consequence: missense variant. On other transcripts: non-coding transcript variant (1).
Genome position (GRCh38, 1-based): chr2:15,474,318, T>C on the plus strand (A>G on the coding strand, the complement: NBAS is on the minus strand). VCF-style: chr2-15474318-T-C. GRCh37 (hg19) VCF-style: chr2-15614442-T-C.
Other names: p.Ile450Val; c.1348A>G (NM_015909.2); short protein forms I450V.
Identifiers: ClinVar variation 708451 (VCV000708451.15), dbSNP rs79769402, ClinGen allele CA1536702.